The following is an entry in ClinVar:

NM_001377540.1(SLMAP):c.2180T>C (p.Ile727Thr)

Gene: SLMAP (sarcolemma associated protein; plus strand). Cytogenetic location: 3p14.3.
Variant type: single nucleotide variant.
Coding change: c.2180T>C on transcript NM_001377540.1 (MANE Select); coding-DNA position 2180, T replaced by C.
Protein change: p.Ile727Thr; replaces isoleucine 727 with threonine.
Molecular consequence: missense variant. On other transcripts: non-coding transcript variant (1).
Genome position (GRCh38, 1-based): chr3:57,916,947, T>C. VCF-style: chr3-57916947-T-C. GRCh37 (hg19) VCF-style: chr3-57902674-T-C.
Other names: c.2129T>C, p.Ile710Thr (NM_001304420.3, NM_001377541.1, NM_001377542.1); c.2015T>C, p.Ile672Thr (NM_001304421.2, NM_001377557.1, NM_001377559.1); c.731T>C, p.Ile244Thr (NM_001304422.3, NM_001311178.2); c.533T>C, p.Ile178Thr (NM_001304423.3); c.608T>C, p.Ile203Thr (NM_001311179.2, NM_001377926.1, NM_001377927.1); c.2201T>C, p.Ile734Thr (NM_001377538.1); c.2180T>C, p.Ile727Thr (NM_001377539.1); c.2117T>C, p.Ile706Thr (NM_001377545.1); and 9 more; short protein forms I203T, I631T, I652T, I665T, I669T, I710T, I648T, I178T.
Identifiers: ClinVar variation 2878643 (VCV002878643.4), dbSNP rs2476166432, ClinGen allele CA353409892.

ClinVar aggregate classification (germline): Uncertain significance. Review status: criteria provided, multiple submitters, no conflicts (2 of 4 stars). 2 submissions from 2 submitters: Uncertain significance (2). Last evaluated 2026-02-24.

Conditions:
Brugada syndrome. Also called: Sudden unexpected nocturnal death syndrome; Sudden unexplained nocturnal death syndrome; Sudden Unexplained Death Syndrome; Sudden Unexplained Nocturnal Death Syndrome (SUNDS). Identifiers: Orphanet 130, MedGen C1142166, MONDO:0015263.

Submissions (2):

Ambry Genetics
Classification: Uncertain significance. Last evaluated: 2026-02-24. Review status: criteria provided, single submitter. Criteria: Ambry Variant Classification Scheme 2023. Collection method: clinical testing. Allele origin: germline.
Comment: The p.I693T variant (also known as c.2078T>C), located in coding exon 19 of the SLMAP gene, results from a T to C substitution at nucleotide position 2078. The isoleucine at codon 693 is replaced by threonine, an amino acid with similar properties. This amino acid position is conserved. In addition, this alteration is predicted to be tolerated by in silico analysis. Based on the available evidence, the clinical significance of this variant remains unclear.

Labcorp Genetics (formerly Invitae), Labcorp
Classification: Uncertain significance for Brugada syndrome. Last evaluated: 2023-04-07. Review status: criteria provided, single submitter. Criteria: Invitae Variant Classification Sherloc (09022015). Collection method: clinical testing. Allele origin: germline.
Comment: This sequence change replaces isoleucine, which is neutral and non-polar, with threonine, which is neutral and polar, at codon 693 of the SLMAP protein (p.Ile693Thr). This variant is not present in population databases (gnomAD no frequency). In summary, the available evidence is currently insufficient to determine the role of this variant in disease. Therefore, it has been classified as a Variant of Uncertain Significance. An algorithm developed to predict the effect of missense changes on protein structure and function (PolyPhen-2) suggests that this variant is likely to be tolerated. This variant has not been reported in the literature in individuals affected with SLMAP-related conditions.